The following is an entry in ClinVar:

ClinVar aggregate classification (germline): Uncertain significance. Review status: criteria provided, multiple submitters, no conflicts (2 of 4 stars). 2 submissions from 2 submitters: Uncertain significance (2). Last evaluated 2023-10-30.

Conditions:
Hereditary cancer-predisposing syndrome. Also called: Neoplastic Syndromes, Hereditary; Hereditary Cancer Syndrome; Tumor predisposition; Hereditary neoplastic syndrome. Identifiers: Orphanet 140162, MedGen C0027672, MeSH D009386, MONDO:0015356.
Hereditary diffuse gastric adenocarcinoma (HDGC). Also called: DIFFUSE GASTRIC AND LOBULAR BREAST CANCER SYNDROME. Identifiers: Orphanet 26106, MedGen C1708349, MONDO:0007648, OMIM 137215.

Submissions (2):

Labcorp Genetics (formerly Invitae), Labcorp
Classification: Uncertain significance for Hereditary diffuse gastric adenocarcinoma. Last evaluated: 2023-10-30. Review status: criteria provided, single submitter. Criteria: Invitae Variant Classification Sherloc (09022015). Collection method: clinical testing. Allele origin: germline.
Comment: This sequence change replaces alanine, which is neutral and non-polar, with valine, which is neutral and non-polar, at codon 873 of the CDH1 protein (p.Ala873Val). This variant is not present in population databases (gnomAD no frequency). This variant has not been reported in the literature in individuals affected with CDH1-related conditions. ClinVar contains an entry for this variant (Variation ID: 2567597). An algorithm developed to predict the effect of missense changes on protein structure and function (PolyPhen-2) suggests that this variant is likely to be disruptive. In summary, the available evidence is currently insufficient to determine the role of this variant in disease. Therefore, it has been classified as a Variant of Uncertain Significance.

Ambry Genetics
Classification: Uncertain significance for Hereditary cancer-predisposing syndrome. Last evaluated: 2023-03-17. Review status: criteria provided, single submitter. Criteria: Ambry Variant Classification Scheme 2023. Collection method: clinical testing. Allele origin: germline.
Comment: The p.A873V variant (also known as c.2618C>T), located in coding exon 16 of the CDH1 gene, results from a C to T substitution at nucleotide position 2618. The alanine at codon 873 is replaced by valine, an amino acid with similar properties. This amino acid position is conserved. In addition, this alteration is predicted to be deleterious by in silico analysis. Since supporting evidence is limited at this time, the clinical significance of this alteration remains unclear.

NM_004360.5(CDH1):c.2618C>T (p.Ala873Val)

Gene: CDH1 (cadherin 1; plus strand). Cytogenetic location: 16q22.1.
Variant type: single nucleotide variant.
Coding change: c.2618C>T on transcript NM_004360.5 (MANE Select); coding-DNA position 2618, C replaced by T.
Protein change: p.Ala873Val; replaces alanine 873 with valine.
Molecular consequence: missense variant.
Genome position (GRCh38, 1-based): chr16:68,833,468, C>T. VCF-style: chr16-68833468-C-T. GRCh37 (hg19) VCF-style: chr16-68867371-C-T.
Other names: c.2435C>T, p.Ala812Val (NM_001317184.2); c.1070C>T, p.Ala357Val (NM_001317185.2); c.653C>T, p.Ala218Val (NM_001317186.2); short protein forms A812V, A873V, A357V, A218V.
Identifiers: ClinVar variation 2567597 (VCV002567597.5), dbSNP rs1457628508, ClinGen allele CA396472776.